The following is an entry in ClinVar:

NM_001376.5(DYNC1H1):c.9479G>A (p.Arg3160Gln)

Gene: DYNC1H1 (dynein cytoplasmic 1 heavy chain 1; plus strand). Cytogenetic location: 14q32.31.
Variant type: single nucleotide variant.
Coding change: c.9479G>A on transcript NM_001376.5 (MANE Select); coding-DNA position 9479, G replaced by A.
Protein change: p.Arg3160Gln; replaces arginine 3160 with glutamine.
Molecular consequence: missense variant.
Genome position (GRCh38, 1-based): chr14:102,029,549, G>A. VCF-style: chr14-102029549-G-A. GRCh37 (hg19) VCF-style: chr14-102495886-G-A.
Other names: short protein forms R3160Q.
Identifiers: ClinVar variation 1305063 (VCV001305063.9), dbSNP rs777423061, ClinGen allele CA266964100.
Genomic context (GRCh38, chr14:102,029,549, plus strand): 5'-AAGTCACAGAGTTTCCTGAAGAGTGAGAAGATGTAACTATTTTCTGAAAGGCGAATGCTC[G>A]GCTAGCAAAGCGAGGCGGCAGAACGATGGCCATCACCCCTCGCCACTACCTGGACTTCAT-3'
Protein context (NP_001367.2, residues 3150-3170): VHQTLHQANA[Arg3160Gln]LAKRGGRTMA

ClinVar aggregate classification (germline): Conflicting classifications of pathogenicity. Review status: criteria provided, conflicting classifications (1 of 4 stars). 4 submissions from 4 submitters: Uncertain significance (3); Likely benign (1). Last evaluated 2026-08-12.

Conditions:
Inborn genetic diseases. Identifiers: MedGen C0950123, MeSH D030342.
Charcot-Marie-Tooth disease axonal type 2O. Also called: CHARCOT-MARIE-TOOTH NEUROPATHY, AXONAL, TYPE 2O; CHARCOT-MARIE-TOOTH DISEASE, AXONAL, AUTOSOMAL DOMINANT, TYPE 2O; Charcot-Marie-Tooth Neuropathy Type 2O; Charcot-Marie-Tooth disease, axonal, type 20. Identifiers: Orphanet 284232, MedGen C3280220, MONDO:0013644, OMIM 614228.

Allele frequency attached by ClinVar (database versions not stated): gnomAD exomes below 0.00001; gnomAD 0.00001; TOPMed 0.00001.
gnomAD v4.1: 7 of 1,614,016 alleles (0.00043%); highest among the groups gnomAD compares: Non-Finnish European, 0.00051%; no homozygotes.

Submissions (4):

Ambry Genetics
Classification: Uncertain significance for Inborn genetic diseases. Last evaluated: 2026-08-12. Review status: criteria provided, single submitter. Criteria: Ambry Variant Classification Scheme 2023. Collection method: clinical testing. Allele origin: germline.
Comment: The c.9479G>A (p.R3160Q) alteration is located in exon 49 (coding exon 49) of the DYNC1H1 gene. This alteration results from a G to A substitution at nucleotide position 9479, causing the arginine (R) at amino acid position 3160 to be replaced by a glutamine (Q). Based on data from gnomAD, the A allele has an overall frequency of 0.001% (2/282804) total alleles studied. The highest observed frequency was 0.002% (2/129142) of European (non-Finnish) alleles. Based on insufficient or conflicting evidence, the clinical significance of this alteration remains unclear.

GeneDx
Classification: Uncertain significance. Last evaluated: 2024-12-16. Review status: criteria provided, single submitter. Criteria: GeneDx Variant Classification Process June 2021. Collection method: clinical testing. Allele origin: germline. Affected: yes.
Comment: In silico analysis supports that this missense variant has a deleterious effect on protein structure/function; In silico analysis suggests this variant may impact gene splicing. In the absence of RNA/functional studies, the actual effect of this sequence change is unknown.; Has not been previously published as pathogenic or benign to our knowledge; This variant is associated with the following publications: (PMID: 25512093, 25609763, 26100331)

Labcorp Genetics (formerly Invitae), Labcorp
Classification: Likely benign for Charcot-Marie-Tooth disease axonal type 2O. Last evaluated: 2023-11-11. Review status: criteria provided, single submitter. Criteria: Invitae Variant Classification Sherloc (09022015). Collection method: clinical testing. Allele origin: germline.

Revvity Omics, Revvity
Classification: Uncertain significance. Last evaluated: 2021-09-23. Review status: criteria provided, single submitter. Criteria: ACMG Guidelines, 2015. Collection method: clinical testing. Allele origin: germline.